The following is an entry in ClinVar:

ClinVar aggregate classification (germline): Uncertain significance (1 of 4 stars; one submission).

Submission:

Labcorp Genetics (formerly Invitae), Labcorp
Classification: Uncertain significance. Last evaluated: 2022-09-27. Review status: criteria provided, single submitter. Criteria: Invitae Variant Classification Sherloc (09022015). Collection method: clinical testing. Allele origin: germline.
Comment: This sequence change replaces serine, which is neutral and polar, with alanine, which is neutral and non-polar, at codon 371 of the KIAA1549 protein (p.Ser371Ala). This variant is not present in population databases (gnomAD no frequency). This variant has not been reported in the literature in individuals affected with KIAA1549-related conditions. ClinVar contains an entry for this variant (Variation ID: 1448203). Algorithms developed to predict the effect of missense changes on protein structure and function (SIFT, PolyPhen-2, Align-GVGD) all suggest that this variant is likely to be tolerated. In summary, the available evidence is currently insufficient to determine the role of this variant in disease. Therefore, it has been classified as a Variant of Uncertain Significance.

NM_001164665.2(KIAA1549):c.1111T>G (p.Ser371Ala)

Gene: KIAA1549 (KIAA1549; minus strand). Cytogenetic location: 7q34.
Variant type: single nucleotide variant.
Coding change: c.1111T>G on transcript NM_001164665.2 (MANE Select); coding-DNA position 1111, T replaced by G.
Protein change: p.Ser371Ala; replaces serine 371 with alanine.
Molecular consequence: missense variant.
Genome position (GRCh38, 1-based): chr7:138,918,515, A>C on the plus strand (T>G on the coding strand, the complement: KIAA1549 is on the minus strand). VCF-style: chr7-138918515-A-C. GRCh37 (hg19) VCF-style: chr7-138603261-A-C.
Other names: c.1111T>G, p.Ser371Ala (NM_020910.3); short protein forms S371A.
Identifiers: ClinVar variation 1448203 (VCV001448203.8), dbSNP rs2130481940, ClinGen allele CA369399712.